The following is an entry in ClinVar:

ClinVar aggregate classification (germline): Uncertain significance (1 of 4 stars; one submission).

Allele frequency attached by ClinVar (database versions not stated): TOPMed 0.00002; gnomAD 0.00003 and 0.00004.
gnomAD v4.1: 35 of 1,613,278 alleles (0.0022%); highest among the groups gnomAD compares: Middle Eastern, 0.016%; no homozygotes.

Submission:

Labcorp Genetics (formerly Invitae), Labcorp
Classification: Uncertain significance. Last evaluated: 2022-07-05. Review status: criteria provided, single submitter. Criteria: Invitae Variant Classification Sherloc (09022015). Collection method: clinical testing. Allele origin: germline.
Comment: In summary, the available evidence is currently insufficient to determine the role of this variant in disease. Therefore, it has been classified as a Variant of Uncertain Significance. Algorithms developed to predict the effect of missense changes on protein structure and function output the following: SIFT: "Tolerated"; PolyPhen-2: "Benign"; Align-GVGD: "Class C0". The valine amino acid residue is found in multiple mammalian species, which suggests that this missense change does not adversely affect protein function. ClinVar contains an entry for this variant (Variation ID: 1420434). This variant has not been reported in the literature in individuals affected with CUL7-related conditions. This variant is present in population databases (no rsID available, gnomAD 0.005%). This sequence change replaces alanine, which is neutral and non-polar, with valine, which is neutral and non-polar, at codon 1368 of the CUL7 protein (p.Ala1368Val).

NM_014780.5(CUL7):c.4103C>T (p.Ala1368Val)

Gene: CUL7 (cullin 7; minus strand). Cytogenetic location: 6p21.1.
Variant type: single nucleotide variant.
Coding change: c.4103C>T on transcript NM_014780.5 (MANE Select); coding-DNA position 4103, C replaced by T.
Protein change: p.Ala1368Val; replaces alanine 1368 with valine.
Molecular consequence: missense variant.
Genome position (GRCh38, 1-based): chr6:43,040,347, G>A on the plus strand (C>T on the coding strand, the complement: CUL7 is on the minus strand). VCF-style: chr6-43040347-G-A. GRCh37 (hg19) VCF-style: chr6-43008085-G-A.
Other names: c.4199C>T, p.Ala1400Val (NM_001168370.2, NM_001374872.1); c.4103C>T, p.Ala1368Val (NM_001374873.1); c.4100C>T, p.Ala1367Val (NM_001374874.1); short protein forms A1367V, A1368V, A1400V.
Identifiers: ClinVar variation 1420434 (VCV001420434.5), dbSNP rs764535454, ClinGen allele CA364195537.